The following is an entry in ClinVar:

ClinVar aggregate classification (germline): Uncertain significance. Review status: criteria provided, multiple submitters, no conflicts (2 of 4 stars). 3 submissions from 3 submitters: Uncertain significance (3). Last evaluated 2024-04-11.

Allele frequency attached by ClinVar (database versions not stated): gnomAD 0.00024; ExAC 0.00004; TOPMed 0.00010; gnomAD exomes 0.00014.
gnomAD v4.1: 212 of 1,614,002 alleles (0.013%); highest among the groups gnomAD compares: Admixed American, 0.083%; no homozygotes.

Submissions (3):

ARUP Laboratories, Molecular Genetics and Genomics, ARUP Laboratories
Classification: Uncertain significance. Last evaluated: 2024-04-11. Review status: criteria provided, single submitter. Criteria: ARUP Molecular Germline Variant Investigation Process 2024. Collection method: clinical testing. Allele origin: germline.

GeneDx
Classification: Uncertain significance. Last evaluated: 2021-04-06. Review status: criteria provided, single submitter. Criteria: GeneDx Variant Classification Process June 2021. Collection method: clinical testing. Allele origin: germline. Affected: yes.
Comment: In silico analysis supports that this missense variant has a deleterious effect on protein structure/function; Has not been previously published as pathogenic or benign to our knowledge

CeGaT Center for Human Genetics Tuebingen
Classification: Uncertain significance. Last evaluated: 2016-09-01. Review status: criteria provided, single submitter. Criteria: CeGaT Center For Human Genetics Tuebingen Variant Classification Criteria Version 2. Collection method: clinical testing. Allele origin: germline. Affected: yes. Observed: 1 variant allele.

NM_001355436.2(SPTB):c.2197G>C (p.Ala733Pro)

Gene: SPTB (spectrin beta, erythrocytic; minus strand). Cytogenetic location: 14q23.3.
Variant type: single nucleotide variant.
Coding change: c.2197G>C on transcript NM_001355436.2 (MANE Select); coding-DNA position 2197, G replaced by C.
Protein change: p.Ala733Pro; replaces alanine 733 with proline.
Molecular consequence: missense variant.
Genome position (GRCh38, 1-based): chr14:64,793,466, C>G on the plus strand (G>C on the coding strand, the complement: SPTB is on the minus strand). VCF-style: chr14-64793466-C-G. GRCh37 (hg19) VCF-style: chr14-65260184-C-G.
Other names: NM_000347.5:c.2197G>C; c.2197G>C, p.Ala733Pro (NM_001024858.4, NM_001355437.2); short protein forms A733P.
Identifiers: ClinVar variation 374492 (VCV000374492.46), dbSNP rs772434433, ClinGen allele CA7230921.
Genomic context (GRCh38, chr14:64,793,466, plus strand): 5'-CCGCATCGCCCTGGAACTGGAAAAAGTTCTCAGCATCCTGGAGGTTCTTCTTGCAGAAGG[C>G]AGCCAGGTCCTTCAGCTGGTCCCACTGTGCCGACACCTCCTTTATGCGGGCCTCGATCTG-3'
Protein context (NP_001342365.1, residues 723-743): AQWDQLKDLA[Ala733Pro]FCKKNLQDAE